The following is an entry in ClinVar:

NM_000211.5(ITGB2):c.1687C>T (p.Arg563Cys)

Gene: ITGB2 (integrin subunit beta 2; minus strand). Cytogenetic location: 21q22.3.
Variant type: single nucleotide variant.
Coding change: c.1687C>T on transcript NM_000211.5 (MANE Select); coding-DNA position 1687, C replaced by T.
Protein change: p.Arg563Cys; replaces arginine 563 with cysteine.
Molecular consequence: missense variant.
Genome position (GRCh38, 1-based): chr21:44,889,466, G>A on the plus strand (C>T on the coding strand, the complement: ITGB2 is on the minus strand). VCF-style: chr21-44889466-G-A. GRCh37 (hg19) VCF-style: chr21-46309381-G-A.
Other names: c.1687C>T, p.Arg563Cys (NM_001127491.3); c.1480C>T, p.Arg494Cys (NM_001303238.2); c.1687C>T (NM_000211.3); short protein forms R494C, R563C.
Identifiers: ClinVar variation 946960 (VCV000946960.9), dbSNP rs777922680, ClinGen allele CA10062731.

ClinVar aggregate classification (germline): Uncertain significance. Review status: criteria provided, multiple submitters, no conflicts (2 of 4 stars). 2 submissions from 2 submitters: Uncertain significance (2). Last evaluated 2026-07-03.

Conditions:
Leukocyte adhesion deficiency 1 (LAD1). Also called: LEUKOCYTE ADHESION DEFICIENCY, TYPE I; LAD 1; Lymphocyte function-associated antigen 1 immunodeficiency; LFA 1 immunodeficiency. Identifiers: Orphanet 2968, Orphanet 99842, MedGen C0398738, MONDO:0007293, OMIM 116920.
Inborn genetic diseases. Identifiers: MedGen C0950123, MeSH D030342.

Allele frequency attached by ClinVar (database versions not stated): TOPMed 0.00001; ExAC 0.00011; gnomAD 0.00001.
gnomAD v4.1: 33 of 1,585,674 alleles (0.0021%); highest among the groups gnomAD compares: South Asian, 0.0057%; no homozygotes.

Submissions (2):

Ambry Genetics
Classification: Uncertain significance for Inborn genetic diseases. Last evaluated: 2026-07-03. Review status: criteria provided, single submitter. Criteria: Ambry Variant Classification Scheme 2023. Collection method: clinical testing. Allele origin: germline.

Labcorp Genetics (formerly Invitae), Labcorp
Classification: Uncertain significance for Leukocyte adhesion deficiency 1. Last evaluated: 2020-06-10. Review status: criteria provided, single submitter. Criteria: Invitae Variant Classification Sherloc (09022015). Collection method: clinical testing. Allele origin: germline.
Comment: In summary, the available evidence is currently insufficient to determine the role of this variant in disease. Therefore, it has been classified as a Variant of Uncertain Significance. Algorithms developed to predict the effect of missense changes on protein structure and function are either unavailable or do not agree on the potential impact of this missense change (SIFT: "Tolerated"; PolyPhen-2: "Possibly Damaging"; Align-GVGD: "Class C0"). This variant has not been reported in the literature in individuals with ITGB2-related conditions. This variant is present in population databases (rs777922680, ExAC 0.02%). This sequence change replaces arginine with cysteine at codon 563 of the ITGB2 protein (p.Arg563Cys). The arginine residue is moderately conserved and there is a large physicochemical difference between arginine and cysteine.